The following is an entry in ClinVar:

ClinVar aggregate classification (germline): Likely pathogenic (1 of 4 stars; one submission).

Conditions:
Microcephaly 1, primary, autosomal recessive (MCPH1). Also called: PREMATURE CHROMOSOME CONDENSATION SYNDROME; PCC SYNDROME; PREMATURE CHROMOSOME CONDENSATION WITH MICROCEPHALY AND MENTAL RETARDATION. Identifiers: Orphanet 2512, MedGen C1855081, MONDO:0009617, OMIM 251200.

Submission:

Juno Genomics, Hangzhou Juno Genomics, Inc
Classification: Likely pathogenic for Microcephaly 1, primary, autosomal recessive. Review status: criteria provided, single submitter. Criteria: ACMG Guidelines, 2015. Collection method: clinical testing. Allele origin: germline.
Comment: Null variant in a gene where loss of function (LOF) is a known mechanism of disease.;Absent from controls (or at extremely low frequency if recessive) in Genome Aggregation Database.

NM_024596.5(MCPH1):c.2288_2291dup (p.Ser765fs)

Genes: MCPH1 (microcephalin 1; plus strand), MCPH1-AS1 (MCPH1 antisense RNA 1; minus strand). Cytogenetic location: 8p23.1.
Variant type: Duplication.
Coding change: c.2288_2291dup on transcript NM_024596.5 (MANE Select); coding-DNA positions 2288 to 2291, 4 bases duplicated (TTGT; older notation c.2288_2291dupTTGT).
Protein change: p.Ser765fs; shifts the reading frame from serine 765.
Molecular consequence: frameshift variant. On other transcripts: non-coding transcript variant (1).
Genome position (GRCh38, 1-based): chr8:6,621,527-6,621,530, TTGT duplicated; duplicating any 4 consecutive bases within chr8:6,621,524-6,621,530 gives the same sequence; the c. name uses the placement nearest the transcript's 3' end. VCF-style (leftmost placement, unchanged base first): chr8-6621523-A-ATGTT. GRCh37 (hg19) VCF-style: chr8-6479044-A-ATGTT.
Other names: c.2288_2291dup, p.Ser765fs (NM_001322042.2, NM_001363979.1, NM_001410917.1); c.2009_2012dup, p.Ser672fs (NM_001363980.2); short protein forms S765fs, S672fs.
Identifiers: ClinVar variation 5007330 (VCV005007330.2).
Genomic context (GRCh38, chr8:6,621,523, plus strand): 5'-AGCGAGTGCCACTTGTCTGCAGGGCCGTACCGCGGAACCCTCTTTGCCGACCAGCCAGCG[A>ATGTT]TGTTTGTCTCGCCTGCCAGCAGCCCCCCAGTGGCCAAGCTCTGTGAACTAGTCCACCTGT-3'